The following is an entry in ClinVar:

ClinVar aggregate classification (germline): Benign/Likely benign. Review status: criteria provided, multiple submitters, no conflicts (2 of 4 stars). 6 submissions from 6 submitters: Benign (2); Likely benign (4). Last evaluated 2026-01-28.

Conditions:
Nemaline myopathy 2 (NEM2). Also called: Nemaline myopathy 2, autosomal recessive. Identifiers: MedGen C1850569, MONDO:0009725, OMIM 256030.

Allele frequency attached by ClinVar (database versions not stated): gnomAD exomes 0.00104; ExAC 0.00169; ESP Exome Variant Server 0.00302; gnomAD 0.00331 and 0.00360; TOPMed 0.00366; 1000 Genomes Project 0.00379; 1000 Genomes Project 30x 0.00390.
gnomAD v4.1: 1,238 of 1,595,972 alleles (0.078%); highest among the groups gnomAD compares: African/African-American, 1.2%; 8 homozygotes.

Submissions (6):

Labcorp Genetics (formerly Invitae), Labcorp
Classification: Benign for Nemaline myopathy 2. Last evaluated: 2026-01-28. Review status: criteria provided, single submitter. Criteria: Invitae Variant Classification Sherloc (09022015). Collection method: clinical testing. Allele origin: germline.

Genomic Medicine Center of Excellence, King Faisal Specialist Hospital and Research Centre
Classification: Likely benign. Last evaluated: 2025-08-18. Review status: criteria provided, single submitter. Criteria: ACMG Guidelines, 2015. Collection method: clinical testing. Allele origin: germline.

Blueprint Genetics
Classification: Likely benign. Last evaluated: 2024-10-09. Review status: criteria provided, single submitter. Criteria: ACMG Guidelines, 2015. Collection method: clinical testing. Allele origin: germline.

Illumina Laboratory Services, Illumina
Classification: Likely benign for Nemaline myopathy 2. Last evaluated: 2018-01-12. Review status: criteria provided, single submitter. Criteria: ICSL Variant Classification Criteria 13 December 2019. Collection method: clinical testing. Allele origin: germline.
Comment: This variant was observed in the ICSL laboratory as part of a predisposition screen in an ostensibly healthy population. It had not been previously curated by ICSL or reported in the Human Gene Mutation Database (HGMD: prior to June 1st, 2018), and was therefore a candidate for classification through an automated scoring system. Utilizing variant allele frequency, disease prevalence and penetrance estimates, and inheritance mode, an automated score was calculated to assess if this variant is too frequent to cause the disease. Based on the score and internal cut-off values, a variant classified as likely benign is not then subjected to further curation. The score for this variant resulted in a classification of likely benign for this disease.

GeneDx
Classification: Likely benign. Last evaluated: 2016-06-20. Review status: criteria provided, single submitter. Criteria: GeneDx Variant Classification (06012015). Collection method: clinical testing. Allele origin: germline. Affected: yes.
Comment: This variant is considered likely benign or benign based on one or more of the following criteria: it is a conservative change, it occurs at a poorly conserved position in the protein, it is predicted to be benign by multiple in silico algorithms, and/or has population frequency not consistent with disease.

PreventionGenetics, part of Exact Sciences
Classification: Benign. Review status: criteria provided, single submitter. Criteria: ACMG Guidelines, 2015. Collection method: clinical testing. Allele origin: germline.

NM_001164508.2(NEB):c.612+15C>T

Gene: NEB (nebulin; minus strand). Cytogenetic location: 2q23.3.
Variant type: single nucleotide variant.
Coding change: c.612+15C>T on transcript NM_001164508.2 (MANE Select); 15 bases into the intron after coding-DNA position 612, C replaced by T.
Molecular consequence: intron variant.
Genome position (GRCh38, 1-based): chr2:151,724,245, G>A on the plus strand (C>T on the coding strand, the complement: NEB is on the minus strand). VCF-style: chr2-151724245-G-A. GRCh37 (hg19) VCF-style: chr2-152580759-G-A.
Other names: c.612+15C>T (NM_004543.5, NM_001164507.2, NM_001271208.2).
Identifiers: ClinVar variation 257824 (VCV000257824.17), dbSNP rs112288851, ClinGen allele CA1911848.